The following is an entry in ClinVar:

NM_001127208.3(TET2):c.3205A>T (p.Thr1069Ser)

Genes: TET2 (tet methylcytosine dioxygenase 2; plus strand), TET2-AS1 (TET2 antisense RNA 1; minus strand). Cytogenetic location: 4q24.
Variant type: single nucleotide variant.
Coding change: c.3205A>T on transcript NM_001127208.3 (MANE Select); coding-DNA position 3205, A replaced by T.
Protein change: p.Thr1069Ser; replaces threonine 1069 with serine.
Molecular consequence: missense variant.
Genome position (GRCh38, 1-based): chr4:105,237,147, A>T. VCF-style: chr4-105237147-A-T. GRCh37 (hg19) VCF-style: chr4-106158304-A-T.
Other names: c.3205A>T, p.Thr1069Ser (NM_017628.4); short protein forms T1069S.
Identifiers: ClinVar variation 3805944 (VCV003805944.1).

ClinVar aggregate classification (germline): Uncertain significance (1 of 4 stars; one submission).

Submission:

Ambry Genetics
Classification: Uncertain significance. Last evaluated: 2025-01-09. Review status: criteria provided, single submitter. Criteria: Ambry Variant Classification Scheme 2023. Collection method: clinical testing. Allele origin: germline.
Comment: The p.T1069S variant (also known as c.3205A>T), located in coding exon 1 of the TET2 gene, results from an A to T substitution at nucleotide position 3205. The threonine at codon 1069 is replaced by serine, an amino acid with similar properties. This amino acid position is conserved. In addition, this alteration is predicted to be tolerated by in silico analysis. Based on the available evidence, the clinical significance of this variant remains unclear.